The following is an entry in ClinVar:

NM_001130004.2(ACTN1):c.113C>T (p.Thr38Met)

Gene: ACTN1 (actinin alpha 1; minus strand). Cytogenetic location: 14q24.1.
Variant type: single nucleotide variant.
Coding change: c.113C>T on transcript NM_001130004.2 (MANE Select); coding-DNA position 113, C replaced by T.
Protein change: p.Thr38Met; replaces threonine 38 with methionine.
Molecular consequence: missense variant.
Genome position (GRCh38, 1-based): chr14:68,925,665, G>A on the plus strand (C>T on the coding strand, the complement: ACTN1 is on the minus strand). VCF-style: chr14-68925665-G-A. GRCh37 (hg19) VCF-style: chr14-69392382-G-A.
Other names: c.113C>T, p.Thr38Met (NM_001102.4, NM_001130005.2, NM_001411035.1); c.-83C>T (NM_001411036.1); short protein forms T38M.
Identifiers: ClinVar variation 2184415 (VCV002184415.6), dbSNP rs768393031, ClinGen allele CA7242802.
Genomic context (GRCh38, chr14:68,925,665, plus strand): 5'-TCCTCTTCGATGTTCTCGATCTGTGTCCCCGCCTTCCGGAGGTGGGAGTTACACCATGCC[G>A]TGAATGTCTGGGCAGAGACAAGAAGGGCAAGTGGTCAGGGGGCTGGTGTTGTCACCCTCA-3'
Protein context (NP_001123476.1, residues 28-48): AWEKQQRKTF[Thr38Met]AWCNSHLRKA

ClinVar aggregate classification (germline): Uncertain significance. Review status: criteria provided, multiple submitters, no conflicts (2 of 4 stars). 2 submissions from 2 submitters: Uncertain significance (2). Last evaluated 2025-10-24.

Conditions:
Inborn genetic diseases. Identifiers: MedGen C0950123, MeSH D030342.

Allele frequency attached by ClinVar (database versions not stated): gnomAD 0.00002; TOPMed 0.00002; ExAC 0.00008.
gnomAD v4.1: 65 of 1,610,438 alleles (0.004%); highest among the groups gnomAD compares: Non-Finnish European, 0.0042%; no homozygotes.

Submissions (2):

Labcorp Genetics (formerly Invitae), Labcorp
Classification: Uncertain significance. Last evaluated: 2025-10-24. Review status: criteria provided, single submitter. Criteria: Invitae Variant Classification Sherloc (09022015). Collection method: clinical testing. Allele origin: germline.
Comment: This sequence change replaces threonine, which is neutral and polar, with methionine, which is neutral and non-polar, at codon 38 of the ACTN1 protein (p.Thr38Met). This variant is present in population databases (rs768393031, gnomAD 0.008%). This variant has not been reported in the literature in individuals affected with ACTN1-related conditions. ClinVar contains an entry for this variant (Variation ID: 2184415). Invitae Evidence Modeling of protein sequence and biophysical properties (such as structural, functional, and spatial information, amino acid conservation, physicochemical variation, residue mobility, and thermodynamic stability) indicates that this missense variant is expected to disrupt ACTN1 protein function with a positive predictive value of 80%. In summary, the available evidence is currently insufficient to determine the role of this variant in disease. Therefore, it has been classified as a Variant of Uncertain Significance.

Ambry Genetics
Classification: Uncertain significance for Inborn genetic diseases. Last evaluated: 2023-01-18. Review status: criteria provided, single submitter. Criteria: Ambry Variant Classification Scheme 2023. Collection method: clinical testing. Allele origin: germline.